The following is an entry in ClinVar:

ClinVar aggregate classification (germline): Uncertain significance. Review status: criteria provided, multiple submitters, no conflicts (2 of 4 stars). 2 submissions from 2 submitters: Uncertain significance (2). Last evaluated 2024-03-20.

Conditions:
Hereditary cancer-predisposing syndrome. Also called: Hereditary neoplastic syndrome; Tumor predisposition; Neoplastic Syndromes, Hereditary; Hereditary Cancer Syndrome. Identifiers: Orphanet 140162, MedGen C0027672, MeSH D009386, MONDO:0015356.
Birt-Hogg-Dube syndrome. Also called: Birt Hogg Dubé syndrome. Identifiers: Orphanet 122, MedGen C0346010, MONDO:0800444.

gnomAD v4.1: 1 of 1,613,672 alleles (0.000062%); highest among the groups gnomAD compares: Non-Finnish European, 0.000085%; no homozygotes.

Submissions (2):

Ambry Genetics
Classification: Uncertain significance for Hereditary cancer-predisposing syndrome. Last evaluated: 2024-03-20. Review status: criteria provided, single submitter. Criteria: Ambry Variant Classification Scheme 2023. Collection method: clinical testing. Allele origin: germline.
Comment: The p.V384L variant (also known as c.1150G>C), located in coding exon 7 of the FLCN gene, results from a G to C substitution at nucleotide position 1150. The valine at codon 384 is replaced by leucine, an amino acid with highly similar properties. This amino acid position is conserved. In addition, the in silico prediction for this alteration is inconclusive. Based on the available evidence, the clinical significance of this alteration remains unclear.

Labcorp Genetics (formerly Invitae), Labcorp
Classification: Uncertain significance for Birt-Hogg-Dube syndrome. Last evaluated: 2022-08-22. Review status: criteria provided, single submitter. Criteria: Invitae Variant Classification Sherloc (09022015). Collection method: clinical testing. Allele origin: germline.
Comment: In summary, the available evidence is currently insufficient to determine the role of this variant in disease. Therefore, it has been classified as a Variant of Uncertain Significance. This sequence change replaces valine, which is neutral and non-polar, with leucine, which is neutral and non-polar, at codon 384 of the FLCN protein (p.Val384Leu). This variant is not present in population databases (gnomAD no frequency). This variant has not been reported in the literature in individuals affected with FLCN-related conditions. Algorithms developed to predict the effect of missense changes on protein structure and function (SIFT, PolyPhen-2, Align-GVGD) all suggest that this variant is likely to be tolerated.

NM_144997.7(FLCN):c.1150G>C (p.Val384Leu)

Gene: FLCN (folliculin; minus strand). Cytogenetic location: 17p11.2.
Variant type: single nucleotide variant.
Coding change: c.1150G>C on transcript NM_144997.7 (MANE Select); coding-DNA position 1150, G replaced by C.
Protein change: p.Val384Leu; replaces valine 384 with leucine.
Molecular consequence: missense variant.
Genome position (GRCh38, 1-based): chr17:17,217,095, C>G on the plus strand (G>C on the coding strand, the complement: FLCN is on the minus strand). VCF-style: chr17-17217095-C-G. GRCh37 (hg19) VCF-style: chr17-17120409-C-G.
Other names: c.1150G>C, p.Val384Leu (NM_001353230.2, NM_001353231.2); c.1204G>C, p.Val402Leu (NM_001353229.2); short protein forms V384L, V402L.
Identifiers: ClinVar variation 1717584 (VCV001717584.7), dbSNP rs779913370, ClinGen allele CA398532186.